The following is an entry in ClinVar:

ClinVar aggregate classification (germline): Likely benign (1 of 4 stars; one submission).

Allele frequency attached by ClinVar (database versions not stated): gnomAD exomes below 0.00001 and 0.00002; TOPMed below 0.00001; ExAC 0.00001; gnomAD 0.00001.

Submission:

GeneDx
Classification: Likely benign. Last evaluated: 2018-06-12. Review status: criteria provided, single submitter. Criteria: GeneDx Variant Classification (06012015). Collection method: clinical testing. Allele origin: germline. Affected: yes.
Comment: This variant is considered likely benign or benign based on one or more of the following criteria: it is a conservative change, it occurs at a poorly conserved position in the protein, it is predicted to be benign by multiple in silico algorithms, and/or has population frequency not consistent with disease.

NM_004230.4(S1PR2):c.291G>A (p.Thr97=)

Gene: S1PR2 (sphingosine-1-phosphate receptor 2; minus strand). Cytogenetic location: 19p13.2.
Variant type: single nucleotide variant.
Coding change: c.291G>A on transcript NM_004230.4 (MANE Select); coding-DNA position 291, G replaced by A.
Protein change: p.Thr97=; no amino-acid change (threonine 97 retained).
Molecular consequence: synonymous variant.
Genome position (GRCh38, 1-based): chr19:10,224,615, C>T on the plus strand (G>A on the coding strand, the complement: S1PR2 is on the minus strand). VCF-style: chr19-10224615-C-T. GRCh37 (hg19) VCF-style: chr19-10335291-C-T.
Identifiers: ClinVar variation 681392 (VCV000681392.1), dbSNP rs768094283, ClinGen allele CA9189120.